The following is an entry in ClinVar:

NM_000038.6(APC):c.1744-569C>A

Gene: APC (APC regulator of WNT signaling pathway; plus strand). Cytogenetic location: 5q22.2.
Variant type: single nucleotide variant.
Coding change: c.1744-569C>A on transcript NM_000038.6 (MANE Select); 569 bases into the intron before coding-DNA position 1744, C replaced by A.
Molecular consequence: intron variant.
Genome position (GRCh38, 1-based): chr5:112,834,382, C>A. VCF-style: chr5-112834382-C-A. GRCh37 (hg19) VCF-style: chr5-112170079-C-A.
Other names: c.1744-569C>A (NM_001354895.2, NM_001127510.3); c.1774-569C>A (NM_001354897.2); c.1471-569C>A (NM_001354902.2); c.1690-569C>A (NM_001127511.3); c.1669-569C>A (NM_001354898.2); c.1366-569C>A (NM_001354904.2); c.895-569C>A (NM_001354906.2); c.1798-569C>A (NM_001354896.2); and 5 more.
Identifiers: ClinVar variation 83202 (VCV000083202.2), dbSNP rs79561619, ClinGen allele CA005921.

ClinVar aggregate classification (germline): other (0 of 4 stars; one submission).

Conditions:
Familial colorectal cancer. Identifiers: MedGen CN280943, MONDO:0023113. Disease mechanism: loss of function.

Submission:

Systems Biology Platform Zhejiang California International NanoSystems Institute
Classification: other for Familial colorectal cancer. Review status: no assertion criteria provided. Collection method: not provided. Allele origin: unknown.
ClinVar note: Converted during submission from cancer to other.